The following is an entry in ClinVar:

NM_004260.4(RECQL4):c.2747C>T (p.Pro916Leu)

Gene: RECQL4 (RecQ like helicase 4; minus strand). Cytogenetic location: 8q24.3.
Variant type: single nucleotide variant.
Coding change: c.2747C>T on transcript NM_004260.4 (MANE Select); coding-DNA position 2747, C replaced by T.
Protein change: p.Pro916Leu; replaces proline 916 with leucine.
Molecular consequence: missense variant.
Genome position (GRCh38, 1-based): chr8:144,512,855, G>A on the plus strand (C>T on the coding strand, the complement: RECQL4 is on the minus strand). VCF-style: chr8-144512855-G-A. GRCh37 (hg19) VCF-style: chr8-145738238-G-A.
Other names: short protein forms P916L.
Identifiers: ClinVar variation 406920 (VCV000406920.17), dbSNP rs375049839, ClinGen allele CA4948127.

ClinVar aggregate classification (germline): Uncertain significance. Review status: criteria provided, multiple submitters, no conflicts (2 of 4 stars). 7 submissions from 7 submitters: Uncertain significance (7). Last evaluated 2026-08-31.

Conditions:
Rothmund-Thomson syndrome type 2 (RTS2). Identifiers: Orphanet 221016, MedGen C5203410, MONDO:0016369, OMIM 268400.
RECQL4-related disorder. Also called: RECQL4-related disorders; RECQL4-related condition.
Baller-Gerold syndrome (BGS). Also called: CRANIOSYNOSTOSIS WITH RADIAL DEFECTS. Identifiers: Orphanet 1225, MedGen C0265308, MONDO:0009039, OMIM 218600.

Allele frequency attached by ClinVar (database versions not stated): gnomAD 0.00013 and 0.00014; ESP Exome Variant Server 0.00016; TOPMed 0.00023; gnomAD exomes 0.00026; ExAC 0.00048.

Submissions (7):

PreventionGenetics, part of Exact Sciences
Classification: Uncertain significance for RECQL4-related condition. Last evaluated: 2026-08-31. Review status: criteria provided, single submitter. Criteria: ACMG Guidelines, 2015. Collection method: clinical testing. Allele origin: germline.
Comment: The RECQL4 c.2747C>T variant is predicted to result in the amino acid substitution p.Pro916Leu. This variant has been reported in a patient with kidney cancer and family history of breast and kidney cancer but who also carried other variants of uncertain significance in CHEK2 and POLE (LOVD). This variant is reported in 0.092% of alleles in individuals of Ashkenazi Jewish descent in gnomAD is interpreted as a variant of uncertain significance in ClinVar (Variation ID: 406920). Although we suspect that this variant may be benign, at this time, the clinical significance of this variant is uncertain due to the absence of conclusive functional and genetic evidence.

Labcorp Genetics (formerly Invitae), Labcorp
Classification: Uncertain significance for Baller-Gerold syndrome. Last evaluated: 2026-01-13. Review status: criteria provided, single submitter. Criteria: Invitae Variant Classification Sherloc (09022015). Collection method: clinical testing. Allele origin: germline.
Comment: This sequence change replaces proline with leucine at codon 916 of the RECQL4 protein (p.Pro916Leu). The proline residue is moderately conserved and there is a moderate physicochemical difference between proline and leucine. This variant is present in population databases (rs375049839, gnomAD 0.09%). This variant has not been reported in the literature in individuals affected with RECQL4-related conditions. ClinVar contains an entry for this variant (Variation ID: 406920). Invitae Evidence Modeling of protein sequence and biophysical properties (such as structural, functional, and spatial information, amino acid conservation, physicochemical variation, residue mobility, and thermodynamic stability) indicates that this missense variant is expected to disrupt RECQL4 protein function with a positive predictive value of 80%. In summary, the available evidence is currently insufficient to determine the role of this variant in disease. Therefore, it has been classified as a Variant of Uncertain Significance.

Dasa
Classification: Uncertain significance. Last evaluated: 2025-05-19. Review status: criteria provided, single submitter. Criteria: DASA Assertion Criteria. Collection method: clinical testing. Allele origin: germline.
Comment: NM_004260.4(RECQL4):c.2747C>T (p.Pro916Leu) is a missense variant that results in the substitution of proline with leucine. This variant is rare in population databases. The currently available literature and clinical evidence are not sufficient to establish a definitive association between this variant and the reported condition. Therefore, this variant is classified as a variant of uncertain significance.

St. Jude Molecular Pathology, St. Jude Children's Research Hospital
Classification: Uncertain significance for Rothmund-Thomson syndrome type 2. Last evaluated: 2023-02-22. Review status: criteria provided, single submitter. Criteria: St. Jude Assertion Criteria 2020. Collection method: clinical testing. Allele origin: germline.
Comment: The RECQL4 c.2747C>T (p.Pro916Leu) missense change is absent in gnomAD v2.1.1. In silico tools predict a benign effect of this variant on protein function, but to our knowledge functional studies have not been performed. To our knowledge, this variant has not been reported in individuals with RECQL4-associated conditions. In summary, the evidence currently available is insufficient to determine the clinical significance of this variant. It has therefore been classified as of uncertain significance.

Genetic Services Laboratory, University of Chicago
Classification: Uncertain significance. Last evaluated: 2023-02-13. Review status: criteria provided, single submitter. Criteria: ACMG Guidelines, 2015. Collection method: clinical testing. Allele origin: germline. Affected: no.
Comment: DNA sequence analysis of the RECQL4 gene demonstrated a sequence change, c.2747C>T, in exon 15 that results in an amino acid change, p.Pro916Leu. This sequence change does not appear to have been previously described in individuals with RECQL4-related disorders. OR This sequence change has been described in the gnomAD database with a frequency of 0.04% in the European subpopulation (dbSNP rs375049839). The p.Pro916Leu change affects a poorly conserved amino acid residue located in a domain of the RECQL4 protein that is not known to be functional. The p.Pro916Leu substitution appears to be benign using several in-silico pathogenicity prediction tools (SIFT, PolyPhen2, Align GVGD). Due to insufficient evidences and the lack of functional studies, the clinical significance of the p.Pro916Leu change remains unknown at this time

GeneDx
Classification: Uncertain significance. Last evaluated: 2021-07-09. Review status: criteria provided, single submitter. Criteria: GeneDx Variant Classification Process June 2021. Collection method: clinical testing. Allele origin: germline. Affected: yes.
Comment: Observed in individuals with cancer undergoing multi-gene panel testing (Mandelker et al., 2017); In silico analysis, which includes protein predictors and evolutionary conservation, supports a deleterious effect; This variant is associated with the following publications: (PMID: 33503190, 28873162, 27535533)

AiLife Diagnostics
Classification: Uncertain significance. Last evaluated: 2021-06-18. Review status: criteria provided, single submitter. Criteria: ACMG Guidelines, 2015. Collection method: clinical testing. Allele origin: germline. Affected: yes. Observed: 1 variant allele.